The following is an entry in ClinVar:

ClinVar aggregate classification (germline): Likely benign. Review status: criteria provided, multiple submitters, no conflicts (2 of 4 stars). 3 submissions from 3 submitters: Likely benign (3). Last evaluated 2025-02-26.

Conditions:
Inborn genetic diseases. Identifiers: MedGen C0950123, MeSH D030342.
Charcot-Marie-Tooth disease axonal type 2C (HMSN2C). Also called: Charcot-Marie-Tooth Disease Type 2, TRPV4-Related (CMT2C); CHARCOT-MARIE-TOOTH DISEASE, AXONAL, AUTOSOMAL DOMINANT, TYPE 2C; Charcot-Marie-Tooth Neuropathy Type 2C. Identifiers: Orphanet 99937, MedGen C1853710, MONDO:0011633, OMIM 606071.

gnomAD v4.1: 24 of 1,613,926 alleles (0.0015%); highest among the groups gnomAD compares: Middle Eastern, 0.016%; no homozygotes.

Submissions (3):

Labcorp Genetics (formerly Invitae), Labcorp
Classification: Likely benign for Charcot-Marie-Tooth disease axonal type 2C. Last evaluated: 2025-02-26. Review status: criteria provided, single submitter. Criteria: Invitae Variant Classification Sherloc (09022015). Collection method: clinical testing. Allele origin: germline.

Ambry Genetics
Classification: Likely benign for Inborn genetic diseases. Last evaluated: 2019-07-11. Review status: criteria provided, single submitter. Criteria: Ambry Variant Classification Scheme 2023. Collection method: clinical testing. Allele origin: germline.

GeneDx
Classification: Likely benign. Last evaluated: 2017-02-02. Review status: criteria provided, single submitter. Criteria: GeneDx Variant Classification (06012015). Collection method: clinical testing. Allele origin: germline. Affected: yes.
Comment: This variant is considered likely benign or benign based on one or more of the following criteria: it is a conservative change, it occurs at a poorly conserved position in the protein, it is predicted to be benign by multiple in silico algorithms, and/or has population frequency not consistent with disease.

NM_021625.5(TRPV4):c.2304G>A (p.Ser768=)

Gene: TRPV4 (transient receptor potential cation channel subfamily V member 4; minus strand). Cytogenetic location: 12q24.11.
Variant type: single nucleotide variant.
Coding change: c.2304G>A on transcript NM_021625.5 (MANE Select); coding-DNA position 2304, G replaced by A.
Protein change: p.Ser768=; no amino-acid change (serine 768 retained).
Molecular consequence: synonymous variant.
Genome position (GRCh38, 1-based): chr12:109,786,742, C>T on the plus strand (G>A on the coding strand, the complement: TRPV4 is on the minus strand). VCF-style: chr12-109786742-C-T. GRCh37 (hg19) VCF-style: chr12-110224547-C-T.
Other names: c.2163G>A, p.Ser721= (NM_001177428.2); c.2202G>A, p.Ser734= (NM_001177431.2); c.1983G>A, p.Ser661= (NM_001177433.2); c.2124G>A, p.Ser708= (NM_147204.3).
Identifiers: ClinVar variation 517728 (VCV000517728.13), dbSNP rs138986228, ClinGen allele CA6779968.